The following is an entry in ClinVar:

ClinVar aggregate classification (germline): Likely benign (1 of 4 stars; one submission).

Submission:

CeGaT Center for Human Genetics Tuebingen
Classification: Likely benign. Last evaluated: 2025-09-01. Review status: criteria provided, single submitter. Criteria: CeGaT Center For Human Genetics Tuebingen Variant Classification Criteria Version 2. Collection method: clinical testing. Allele origin: germline. Affected: yes. Observed: 1 variant allele.
Comment: ROBO4: PM2:Supporting, BP4, BP7

NM_019055.6(ROBO4):c.1371C>G (p.Thr457=)

Gene: ROBO4 (roundabout guidance receptor 4; minus strand). Cytogenetic location: 11q24.2.
Variant type: single nucleotide variant.
Coding change: c.1371C>G on transcript NM_019055.6 (MANE Select); coding-DNA position 1371, C replaced by G.
Protein change: p.Thr457=; no amino-acid change (threonine 457 retained).
Molecular consequence: synonymous variant.
Genome position (GRCh38, 1-based): chr11:124,893,993, G>C on the plus strand (C>G on the coding strand, the complement: ROBO4 is on the minus strand). VCF-style: chr11-124893993-G-C. GRCh37 (hg19) VCF-style: chr11-124763889-G-C.
Other names: c.936C>G, p.Thr312= (NM_001301088.2); c.1371C>G, p.Thr457= (NM_001441183.1).
Identifiers: ClinVar variation 4281429 (VCV004281429.7).